The following is an entry in ClinVar:

NM_000136.3(FANCC):c.704C>G (p.Pro235Arg)

Genes: FANCC (FA complementation group C; minus strand), AOPEP (aminopeptidase O (putative); plus strand). Cytogenetic location: 9q22.32.
Variant type: single nucleotide variant.
Coding change: c.704C>G on transcript NM_000136.3 (MANE Select); coding-DNA position 704, C replaced by G.
Protein change: p.Pro235Arg; replaces proline 235 with arginine.
Molecular consequence: missense variant.
Genome position (GRCh38, 1-based): chr9:95,135,485, G>C on the plus strand (C>G on the coding strand, the complement: FANCC is on the minus strand). VCF-style: chr9-95135485-G-C. GRCh37 (hg19) VCF-style: chr9-97897767-G-C.
Other names: c.704C>G, p.Pro235Arg (NM_001243743.2, NM_001243744.2); short protein forms P235R.
Identifiers: ClinVar variation 1756870 (VCV001756870.7), dbSNP rs1564678996, ClinGen allele CA374109457.

ClinVar aggregate classification (germline): Uncertain significance. Review status: criteria provided, multiple submitters, no conflicts (2 of 4 stars). 2 submissions from 2 submitters: Uncertain significance (2). Last evaluated 2023-12-29.

Conditions:
Hereditary cancer-predisposing syndrome. Also called: Neoplastic Syndromes, Hereditary; Tumor predisposition; Hereditary Cancer Syndrome; Hereditary neoplastic syndrome. Identifiers: Orphanet 140162, MedGen C0027672, MeSH D009386, MONDO:0015356.
Fanconi anemia (FA). Also called: Fanconi's anemia. Identifiers: Orphanet 84, MedGen C0015625, MeSH D005199, MONDO:0019391.

Submissions (2):

Ambry Genetics
Classification: Uncertain significance for Hereditary cancer-predisposing syndrome. Last evaluated: 2023-12-29. Review status: criteria provided, single submitter. Criteria: Ambry Variant Classification Scheme 2023. Collection method: clinical testing. Allele origin: germline.
Comment: The p.P235R variant (also known as c.704C>G), located in coding exon 7 of the FANCC gene, results from a C to G substitution at nucleotide position 704. The proline at codon 235 is replaced by arginine, an amino acid with dissimilar properties. This amino acid position is conserved. In addition, this alteration is predicted to be tolerated by in silico analysis. Since supporting evidence is limited at this time, the clinical significance of this alteration remains unclear.

Labcorp Genetics (formerly Invitae), Labcorp
Classification: Uncertain significance for Fanconi anemia. Last evaluated: 2022-07-10. Review status: criteria provided, single submitter. Criteria: Invitae Variant Classification Sherloc (09022015). Collection method: clinical testing. Allele origin: germline.
Comment: Algorithms developed to predict the effect of missense changes on protein structure and function (SIFT, PolyPhen-2, Align-GVGD) all suggest that this variant is likely to be tolerated. In summary, the available evidence is currently insufficient to determine the role of this variant in disease. Therefore, it has been classified as a Variant of Uncertain Significance. This variant has not been reported in the literature in individuals affected with FANCC-related conditions. This variant is not present in population databases (gnomAD no frequency). This sequence change replaces proline, which is neutral and non-polar, with arginine, which is basic and polar, at codon 235 of the FANCC protein (p.Pro235Arg).